The following is an entry in ClinVar:

ClinVar aggregate classification (germline): Uncertain significance (1 of 4 stars; one submission).

Submission:

GeneDx
Classification: Uncertain significance. Last evaluated: 2024-05-23. Review status: criteria provided, single submitter. Criteria: GeneDx Variant Classification Process June 2021. Collection method: clinical testing. Allele origin: germline. Affected: yes.
Comment: Frameshift variant predicted to result in protein truncation or nonsense mediated decay in a gene or region of a gene for which loss of function is not a well-established mechanism of disease; Not observed at significant frequency in large population cohorts (gnomAD); Has not been previously published as pathogenic or benign to our knowledge; Variants in candidate genes are classified as variants of uncertain significance in accordance with ACMG guidelines (PMID: 25741868)

NM_001370785.2(LRRC7):c.2374del (p.Arg792fs)

Genes: LRRC7 (leucine rich repeat containing 7; plus strand), LRRC7-AS1 (LRRC7 antisense RNA 1; minus strand). Cytogenetic location: 1p31.1.
Variant type: Deletion.
Coding change: c.2374del on transcript NM_001370785.2 (MANE Select); coding-DNA position 2374, one base deleted (C; older notation c.2374delC).
Protein change: p.Arg792fs; shifts the reading frame from arginine 792.
Molecular consequence: frameshift variant. On other transcripts: non-coding transcript variant (1).
Genome position (GRCh38, 1-based): chr1:70,038,198, C deleted. VCF-style (leftmost placement, unchanged base first): chr1-70038197-GC-G. GRCh37 (hg19) VCF-style: chr1-70503880-GC-G.
Other names: NM_020794.2:c.2260del; c.2275del, p.Arg759fs (NM_001330635.3, NM_001366841.1); c.2377del, p.Arg793fs (NM_001350216.3); c.2374del, p.Arg792fs (NM_001366838.3); c.2215del, p.Arg739fs (NM_001366839.3); short protein forms R739fs, R759fs, R792fs, R793fs.
Identifiers: ClinVar variation 3381425 (VCV003381425.1).